The following is an entry in ClinVar:

ClinVar aggregate classification (germline): Uncertain significance (1 of 4 stars; one submission).

Conditions:
Glycogen storage disease, type II (IOPD). Also called: Glucosidase acid-1,4-alpha deficiency; CARDIOMEGALIA GLYCOGENICA DIFFUSA; Glycogen storage disease type 2; Acid maltase deficiency disease; Aglucosidase alfa; Deficiency of alpha-glucosidase. Identifiers: Orphanet 365, MedGen C0017921, MONDO:0009290, OMIM 232300.

Submission:

Labcorp Genetics (formerly Invitae), Labcorp
Classification: Uncertain significance for Glycogen storage disease, type II. Last evaluated: 2022-07-26. Review status: criteria provided, single submitter. Criteria: Invitae Variant Classification Sherloc (09022015). Collection method: clinical testing. Allele origin: germline.
Comment: In summary, the available evidence is currently insufficient to determine the role of this variant in disease. Therefore, it has been classified as a Variant of Uncertain Significance. Variants that disrupt the consensus splice site are a relatively common cause of aberrant splicing (PMID: 17576681, 9536098). Algorithms developed to predict the effect of sequence changes on RNA splicing suggest that this variant is not likely to affect RNA splicing. ClinVar contains an entry for this variant (Variation ID: 959171). This variant has not been reported in the literature in individuals affected with GAA-related conditions. This variant is not present in population databases (gnomAD no frequency). This sequence change falls in intron 13 of the GAA gene. It does not directly change the encoded amino acid sequence of the GAA protein. It affects a nucleotide within the consensus splice site.

Literature cited by the submitters: PubMed 17576681; PubMed 9536098.

NM_000152.5(GAA):c.1888+6_1888+14del

Gene: GAA (alpha glucosidase; plus strand). Cytogenetic location: 17q25.3.
Variant type: Deletion.
Coding change: c.1888+6_1888+14del on transcript NM_000152.5 (MANE Select); bases 6 to 14 of the intron after coding-DNA position 1888, 9 bases deleted (CTCCTACCA; older notation c.1888+6_1888+14delCTCCTACCA).
Molecular consequence: intron variant.
Genome position (GRCh38, 1-based): chr17:80,112,717-80,112,725, CTCCTACCA deleted. VCF-style (leftmost placement, unchanged base first): chr17-80112716-GCTCCTACCA-G. GRCh37 (hg19) VCF-style: chr17-78086515-GCTCCTACCA-G.
Other names: c.1888+6_1888+14del (NM_001079803.3, NM_001079804.3).
Identifiers: ClinVar variation 959171 (VCV000959171.7), dbSNP rs2039268703, ClinGen allele CA1139665926.